The following is an entry in ClinVar:

NM_006269.2(RP1):c.3485C>G (p.Ala1162Gly)

Gene: RP1 (RP1 axonemal microtubule associated; plus strand). Cytogenetic location: 8q12.1.
Variant type: single nucleotide variant.
Coding change: c.3485C>G on transcript NM_006269.2 (MANE Select); coding-DNA position 3485, C replaced by G.
Protein change: p.Ala1162Gly; replaces alanine 1162 with glycine.
Molecular consequence: missense variant. On other transcripts: intron variant (1).
Genome position (GRCh38, 1-based): chr8:54,627,367, C>G. VCF-style: chr8-54627367-C-G. GRCh37 (hg19) VCF-style: chr8-55539927-C-G.
Other names: c.787+5079C>G (NM_001375654.1); short protein forms A1162G.
Identifiers: ClinVar variation 2757353 (VCV002757353.3), dbSNP rs2536579377, ClinGen allele CA370996456.
Genomic context (GRCh38, chr8:54,627,367, plus strand): 5'-TGAATAGCTTCTGTCAAGTTGATGCTCACAAGGCTACCAACAAATCTTCAGAAACACTTG[C>G]ATTGTTGGAGATTCTAAAGCACATAGCTATCACAGAGGAAGCTGATGACTTGAAAGCTGC-3'
Protein context (NP_006260.1, residues 1152-1172): KATNKSSETL[Ala1162Gly]LLEILKHIAI

ClinVar aggregate classification (germline): Uncertain significance (1 of 4 stars; one submission).

Submission:

Labcorp Genetics (formerly Invitae), Labcorp
Classification: Uncertain significance. Last evaluated: 2023-09-01. Review status: criteria provided, single submitter. Criteria: Invitae Variant Classification Sherloc (09022015). Collection method: clinical testing. Allele origin: germline.
Comment: In summary, the available evidence is currently insufficient to determine the role of this variant in disease. Therefore, it has been classified as a Variant of Uncertain Significance. Algorithms developed to predict the effect of missense changes on protein structure and function output the following: SIFT: "Not Available"; PolyPhen-2: "Benign"; Align-GVGD: "Not Available". The glycine amino acid residue is found in multiple mammalian species, which suggests that this missense change does not adversely affect protein function. This variant has not been reported in the literature in individuals affected with RP1-related conditions. This variant is not present in population databases (gnomAD no frequency). This sequence change replaces alanine, which is neutral and non-polar, with glycine, which is neutral and non-polar, at codon 1162 of the RP1 protein (p.Ala1162Gly).